The following is an entry in ClinVar:

ClinVar aggregate classification (germline): Benign. Review status: criteria provided, multiple submitters, no conflicts (2 of 4 stars). 2 submissions from 2 submitters: Benign (2). Last evaluated 2018-06-14.

Allele frequency attached by ClinVar (database versions not stated): 1000 Genomes Project 30x 0.38304; 1000 Genomes Project 0.38678; TOPMed 0.43162; gnomAD 0.44226.
gnomAD v4.1: 657,361 of 1,403,018 alleles (47%); highest among the groups gnomAD compares: Admixed American, 59%; 157,599 homozygotes.

Submissions (19):

GeneDx
Classification: Benign. Last evaluated: 2018-06-14. Review status: criteria provided, single submitter. Criteria: GeneDx Variant Classification (06012015). Collection method: clinical testing. Allele origin: germline. Affected: yes.
Comment: This variant is considered likely benign or benign based on one or more of the following criteria: it is a conservative change, it occurs at a poorly conserved position in the protein, it is predicted to be benign by multiple in silico algorithms, and/or has population frequency not consistent with disease.

Breakthrough Genomics
Classification: Benign. Review status: criteria provided, single submitter. Criteria: ACMG Guidelines, 2015. Collection method: not provided. Allele origin: germline. Inheritance: Autosomal recessive inheritance. Affected: yes.

Dr. Peter K. Rogan Lab, Western University
No classification provided (evidence only). Condition: Lung cancer. Review status: no classification provided. Collection method: in vitro. Allele origin: not applicable. Functional consequence: skipped exon. Not counted in ClinVar's aggregate classification.

Dr. Peter K. Rogan Lab, Western University
No classification provided (evidence only). Condition: Lung cancer. Review status: no classification provided. Collection method: in vitro. Allele origin: not applicable. Functional consequence: retained intron. Not counted in ClinVar's aggregate classification.

Dr. Peter K. Rogan Lab, Western University
No classification provided (evidence only). Condition: Uterine corpus endometrial carcinoma. Review status: no classification provided. Collection method: in vitro. Allele origin: not applicable. Functional consequence: retained intron. Not counted in ClinVar's aggregate classification.

Dr. Peter K. Rogan Lab, Western University
No classification provided (evidence only). Condition: Uterine corpus endometrial carcinoma. Review status: no classification provided. Collection method: in vitro. Allele origin: not applicable. Functional consequence: retained intron. Not counted in ClinVar's aggregate classification.

Dr. Peter K. Rogan Lab, Western University
No classification provided (evidence only). Condition: Cervical cancer. Review status: no classification provided. Collection method: in vitro. Allele origin: not applicable. Functional consequence: skipped exon. Not counted in ClinVar's aggregate classification.

Dr. Peter K. Rogan Lab, Western University
No classification provided (evidence only). Condition: Sarcoma. Review status: no classification provided. Collection method: in vitro. Allele origin: not applicable. Functional consequence: skipped exon, retained intron. Not counted in ClinVar's aggregate classification.

Dr. Peter K. Rogan Lab, Western University
No classification provided (evidence only). Condition: Sarcoma. Review status: no classification provided. Collection method: in vitro. Allele origin: not applicable. Functional consequence: skipped exon. Not counted in ClinVar's aggregate classification.

Dr. Peter K. Rogan Lab, Western University
No classification provided (evidence only). Condition: Sarcoma. Review status: no classification provided. Collection method: in vitro. Allele origin: not applicable. Functional consequence: retained intron. Not counted in ClinVar's aggregate classification.

Dr. Peter K. Rogan Lab, Western University
No classification provided (evidence only). Condition: Gastric cancer. Review status: no classification provided. Collection method: in vitro. Allele origin: not applicable. Functional consequence: retained intron. Not counted in ClinVar's aggregate classification.

Dr. Peter K. Rogan Lab, Western University
No classification provided (evidence only). Condition: Uterine carcinosarcoma. Review status: no classification provided. Collection method: in vitro. Allele origin: not applicable. Functional consequence: retained intron. Not counted in ClinVar's aggregate classification.

Dr. Peter K. Rogan Lab, Western University
No classification provided (evidence only). Condition: Uterine carcinosarcoma. Review status: no classification provided. Collection method: in vitro. Allele origin: not applicable. Functional consequence: skipped exon, retained intron. Not counted in ClinVar's aggregate classification.

Dr. Peter K. Rogan Lab, Western University
No classification provided (evidence only). Condition: Uterine carcinosarcoma. Review status: no classification provided. Collection method: in vitro. Allele origin: not applicable. Functional consequence: skipped exon, retained intron. Not counted in ClinVar's aggregate classification.

Dr. Peter K. Rogan Lab, Western University
No classification provided (evidence only). Condition: Uterine carcinosarcoma. Review status: no classification provided. Collection method: in vitro. Allele origin: not applicable. Functional consequence: retained intron. Not counted in ClinVar's aggregate classification.

Dr. Peter K. Rogan Lab, Western University
No classification provided (evidence only). Condition: Uterine carcinosarcoma. Review status: no classification provided. Collection method: in vitro. Allele origin: not applicable. Functional consequence: retained intron. Not counted in ClinVar's aggregate classification.

Dr. Peter K. Rogan Lab, Western University
No classification provided (evidence only). Condition: Uterine carcinosarcoma. Review status: no classification provided. Collection method: in vitro. Allele origin: not applicable. Functional consequence: retained intron. Not counted in ClinVar's aggregate classification.

Dr. Peter K. Rogan Lab, Western University
No classification provided (evidence only). Condition: Malignant tumor of esophagus. Review status: no classification provided. Collection method: in vitro. Allele origin: not applicable. Functional consequence: skipped exon, retained intron. Not counted in ClinVar's aggregate classification.

Dr. Peter K. Rogan Lab, Western University
No classification provided (evidence only). Condition: Malignant tumor of esophagus. Review status: no classification provided. Collection method: in vitro. Allele origin: not applicable. Functional consequence: skipped exon, retained intron. Not counted in ClinVar's aggregate classification.

NM_001849.4(COL6A2):c.2462-2239T>A

Gene: COL6A2 (collagen type VI alpha 2 chain; plus strand). Cytogenetic location: 21q22.3.
Variant type: single nucleotide variant.
Coding change: c.2462-2239T>A on transcript NM_001849.4 (MANE Select); 2239 bases into the intron before coding-DNA position 2462, T replaced by A.
Molecular consequence: intron variant. On other transcripts: 3 prime UTR variant (2).
Genome position (GRCh38, 1-based): chr21:46,129,715, T>A. VCF-style: chr21-46129715-T-A. GRCh37 (hg19) VCF-style: chr21-47549629-T-A.
Other names: NC_000021.8:g.47549629T>A; c.*224T>A (NM_058174.3); c.*787T>A (NM_058175.3).
Identifiers: ClinVar variation 679228 (VCV000679228.3), dbSNP rs1044598, ClinGen allele CA14865413.